The following is an entry in ClinVar:

ClinVar aggregate classification (germline): Likely benign. Review status: criteria provided, multiple submitters, no conflicts (2 of 4 stars). 2 submissions from 2 submitters: Likely benign (2). Last evaluated 2025-08-23.

Allele frequency attached by ClinVar (database versions not stated): gnomAD exomes 0.00007 and 0.00009; TOPMed 0.00007; ESP Exome Variant Server 0.00008; gnomAD 0.00008 and 0.00009; ExAC 0.00012.
gnomAD v4.1: 148 of 1,614,158 alleles (0.0092%); highest among the groups gnomAD compares: Non-Finnish European, 0.012%; no homozygotes.

Submissions (2):

Labcorp Genetics (formerly Invitae), Labcorp
Classification: Likely benign. Last evaluated: 2025-08-23. Review status: criteria provided, single submitter. Criteria: Invitae Variant Classification Sherloc (09022015). Collection method: clinical testing. Allele origin: germline.

CeGaT Center for Human Genetics Tuebingen
Classification: Likely benign. Last evaluated: 2023-06-01. Review status: criteria provided, single submitter. Criteria: CeGaT Center For Human Genetics Tuebingen Variant Classification Criteria Version 2. Collection method: clinical testing. Allele origin: germline. Affected: yes. Observed: 1 variant allele.
Comment: HIVEP2: BP4, BP7

NM_006734.4(HIVEP2):c.5865C>T (p.His1955=)

Gene: HIVEP2 (HIVEP zinc finger 2; minus strand). Cytogenetic location: 6q24.2.
Variant type: single nucleotide variant.
Coding change: c.5865C>T on transcript NM_006734.4 (MANE Select); coding-DNA position 5865, C replaced by T.
Protein change: p.His1955=; no amino-acid change (histidine 1955 retained).
Molecular consequence: synonymous variant.
Genome position (GRCh38, 1-based): chr6:142,760,423, G>A on the plus strand (C>T on the coding strand, the complement: HIVEP2 is on the minus strand). VCF-style: chr6-142760423-G-A. GRCh37 (hg19) VCF-style: chr6-143081560-G-A.
Identifiers: ClinVar variation 738576 (VCV000738576.34), dbSNP rs367677918, ClinGen allele CA4027790.